The following is an entry in ClinVar:

NM_000359.3(TGM1):c.432G>A (p.Gly144=)

Gene: TGM1 (transglutaminase 1; minus strand). Cytogenetic location: 14q12.
Variant type: single nucleotide variant.
Coding change: c.432G>A on transcript NM_000359.3 (MANE Select); coding-DNA position 432, G replaced by A.
Protein change: p.Gly144=; no amino-acid change (glycine 144 retained).
Molecular consequence: synonymous variant.
Genome position (GRCh38, 1-based): chr14:24,261,771, C>T on the plus strand (G>A on the coding strand, the complement: TGM1 is on the minus strand). VCF-style: chr14-24261771-C-T. GRCh37 (hg19) VCF-style: chr14-24730977-C-T.
Identifiers: ClinVar variation 725484 (VCV000725484.25), dbSNP rs141559048, ClinGen allele CA7131413.
Genomic context (GRCh38, chr14:24,261,771, plus strand): 5'-GGTGATGCGATCAGAGGATTCATAGGTCCGGGACAGGAGGAGGAGCATATGGAAAGGCTG[C>T]CCGCGGCGCACTATCAGCTCGTCGTACTCATACTCGTCTGTGTGGTGCTCTCGGCGGTTC-3'
Protein context (NP_000350.1, residues 134-154): YEYDELIVRR[Gly144=]QPFHMLLLLS

ClinVar aggregate classification (germline): Benign/Likely benign. Review status: criteria provided, multiple submitters, no conflicts (2 of 4 stars). 6 submissions from 6 submitters: Benign (2); Likely benign (3). 1 of the submissions does not count toward it. Last evaluated 2026-01-29.

Conditions:
Autosomal recessive congenital ichthyosis 1 (LI1). Also called: COLLODION FETUS; DESQUAMATION OF NEWBORN; ICHTHYOSIS CONGENITA; ICHTHYOSIS CONGENITA II; LAMELLAR EXFOLIATION OF NEWBORN; ICHTHYOSIS, CONGENITAL, AUTOSOMAL RECESSIVE 1, WITH BATHING SUIT DISTRIBUTION. Identifiers: MedGen C4551630, MONDO:0009441, OMIM 242300.

Allele frequency attached by ClinVar (database versions not stated): 1000 Genomes Project 0.00060; 1000 Genomes Project 30x 0.00062; TOPMed 0.00062; ESP Exome Variant Server 0.00069; gnomAD exomes 0.00077 and 0.00086; ExAC 0.00096; gnomAD 0.00102.
gnomAD v4.1: 1,238 of 1,614,104 alleles (0.077%); highest among the groups gnomAD compares: Admixed American, 0.2%; 2 homozygotes.

Submissions (6):

Labcorp Genetics (formerly Invitae), Labcorp
Classification: Benign. Last evaluated: 2026-01-29. Review status: criteria provided, single submitter. Criteria: Invitae Variant Classification Sherloc (09022015). Collection method: clinical testing. Allele origin: germline.

CeGaT Center for Human Genetics Tuebingen
Classification: Likely benign. Last evaluated: 2025-09-01. Review status: criteria provided, single submitter. Criteria: CeGaT Center For Human Genetics Tuebingen Variant Classification Criteria Version 2. Collection method: clinical testing. Allele origin: germline. Affected: yes. Observed: 1 variant allele.
Comment: TGM1: BP4, BP7

Blueprint Genetics
Classification: Likely benign. Last evaluated: 2024-11-13. Review status: criteria provided, single submitter. Criteria: ACMG Guidelines, 2015. Collection method: clinical testing. Allele origin: germline.

Illumina Laboratory Services, Illumina
Classification: Likely benign for Autosomal recessive congenital ichthyosis 1. Last evaluated: 2018-01-13. Review status: criteria provided, single submitter. Criteria: ICSL Variant Classification Criteria 13 December 2019. Collection method: clinical testing. Allele origin: germline.
Comment: This variant was observed in the ICSL laboratory as part of a predisposition screen in an ostensibly healthy population. It had not been previously curated by ICSL or reported in the Human Gene Mutation Database (HGMD: prior to June 1st, 2018), and was therefore a candidate for classification through an automated scoring system. Utilizing variant allele frequency, disease prevalence and penetrance estimates, and inheritance mode, an automated score was calculated to assess if this variant is too frequent to cause the disease. Based on the score and internal cut-off values, a variant classified as likely benign is not then subjected to further curation. The score for this variant resulted in a classification of likely benign for this disease.

Genome-Nilou Lab
Classification: Benign for Autosomal recessive congenital ichthyosis 1. Review status: criteria provided, single submitter. Criteria: ACMG Guidelines, 2015. Collection method: clinical testing. Allele origin: germline.

Natera, Inc.
Classification: Benign for Autosomal recessive congenital ichthyosis type 1. Last evaluated: 2020-04-19. Review status: no assertion criteria provided. Collection method: clinical testing. Allele origin: germline. Not counted in ClinVar's aggregate classification.